The following is an entry in ClinVar:

ClinVar aggregate classification (germline): Uncertain significance (1 of 4 stars; one submission).

Conditions:
CETP-related disorder. Also called: CETP-related condition.

Submission:

PreventionGenetics, part of Exact Sciences
Classification: Uncertain significance for CETP-related condition. Last evaluated: 2024-12-23. Review status: criteria provided, single submitter. Criteria: ACMG Guidelines, 2015. Collection method: clinical testing. Allele origin: germline.
Comment: The CETP c.667_668delinsG variant is predicted to result in a frameshift and premature protein termination (p.Leu223Valfs*12). To our knowledge, this variant has not been reported in the literature or in a large population database (gnomAD), indicating this variant is rare. Although we suspect that this variant may be pathogenic, at this time, the clinical significance of this variant is uncertain due to the absence of conclusive functional and genetic evidence.

NM_000078.3(CETP):c.667_668delinsG (p.Leu223fs)

Gene: CETP (cholesteryl ester transfer protein; plus strand). Cytogenetic location: 16q13.
Variant type: Indel.
Coding change: c.667_668delinsG on transcript NM_000078.3 (MANE Select); coding-DNA positions 667 to 668, CT replaced by G.
Protein change: p.Leu223fs; shifts the reading frame from leucine 223.
Molecular consequence: frameshift variant.
Genome position (GRCh38, 1-based): chr16:56,972,000-56,972,001, CT replaced by G. VCF-style: chr16-56972000-CT-G. GRCh37 (hg19) VCF-style: chr16-57005912-CT-G.
Other names: c.667_668delinsG, p.Leu223fs (NM_001286085.2); short protein forms L223fs.
Identifiers: ClinVar variation 4998828 (VCV004998828.1).